The following is an entry in ClinVar:

NM_004006.3(DMD):c.2553C>G (p.Asn851Lys)

Gene: DMD (dystrophin; minus strand). Cytogenetic location: Xp21.1.
Variant type: single nucleotide variant.
Coding change: c.2553C>G on transcript NM_004006.3 (MANE Select); coding-DNA position 2553, C replaced by G.
Protein change: p.Asn851Lys; replaces asparagine 851 with lysine.
Molecular consequence: missense variant.
Genome position (GRCh38, 1-based): chrX:32,491,346, G>C on the plus strand (C>G on the coding strand, the complement: DMD is on the minus strand). VCF-style: chrX-32491346-G-C. GRCh37 (hg19) VCF-style: chrX-32509463-G-C.
Other names: c.2529C>G, p.Asn843Lys (NM_000109.4); c.2541C>G, p.Asn847Lys (NM_004009.3); c.2184C>G, p.Asn728Lys (NM_004010.3); short protein forms N843K, N847K, N728K, N851K.
Identifiers: ClinVar variation 2955972 (VCV002955972.3), dbSNP rs1261772955, ClinGen allele CA412672082.
Genomic context (GRCh38, chrX:32,491,346, plus strand): 5'-TTTTAACTGACTTTTAATTGCTGTTGGCTCTGATGGGGTGGTGGGTTGGATTTTCAACCA[G>C]TTTTCAGCAGTAGTTGTCATCTGCTCCAATTGTTGTAGCTGATTATAGAAAGCGATGATG-3'
Protein context (NP_003997.2, residues 841-861): QLEQMTTTAE[Asn851Lys]WLKIQPTTPS

ClinVar aggregate classification (germline): Uncertain significance (1 of 4 stars; one submission).

Conditions:
Duchenne muscular dystrophy (DMD). Also called: MUSCULAR DYSTROPHY, PSEUDOHYPERTROPHIC PROGRESSIVE, DUCHENNE TYPE; Duchenne Muscular Dystrophy (DMD). Identifiers: Orphanet 98896, MedGen C0013264, MONDO:0010679, OMIM 310200.

gnomAD v4.1: 5 of 1,210,751 alleles (0.00041%); highest among the groups gnomAD compares: Non-Finnish European, 0.00056%; no homozygotes.

Submission:

Labcorp Genetics (formerly Invitae), Labcorp
Classification: Uncertain significance for Duchenne muscular dystrophy. Last evaluated: 2023-10-08. Review status: criteria provided, single submitter. Criteria: Invitae Variant Classification Sherloc (09022015). Collection method: clinical testing. Allele origin: germline.
Comment: This sequence change replaces asparagine, which is neutral and polar, with lysine, which is basic and polar, at codon 851 of the DMD protein (p.Asn851Lys). This variant is not present in population databases (gnomAD no frequency). This variant has not been reported in the literature in individuals affected with DMD-related conditions. Advanced modeling of protein sequence and biophysical properties (such as structural, functional, and spatial information, amino acid conservation, physicochemical variation, residue mobility, and thermodynamic stability) performed at Invitae indicates that this missense variant is not expected to disrupt DMD protein function. In summary, the available evidence is currently insufficient to determine the role of this variant in disease. Therefore, it has been classified as a Variant of Uncertain Significance.